The following is an entry in ClinVar:

NM_203447.4(DOCK8):c.5567T>A (p.Leu1856Ter)

Gene: DOCK8 (dedicator of cytokinesis 8; plus strand). Cytogenetic location: 9p24.3.
Variant type: single nucleotide variant.
Coding change: c.5567T>A on transcript NM_203447.4 (MANE Select); coding-DNA position 5567, T replaced by A.
Protein change: p.Leu1856Ter; replaces leucine 1856 with a stop codon.
Molecular consequence: nonsense.
Genome position (GRCh38, 1-based): chr9:443,503, T>A. VCF-style: chr9-443503-T-A. GRCh37 (hg19) VCF-style: chr9-443503-T-A.
Other names: c.5267T>A, p.Leu1756Ter (NM_001190458.2); c.5363T>A, p.Leu1788Ter (NM_001193536.2); short protein forms L1756*, L1788*, L1856*.
Identifiers: ClinVar variation 3663858 (VCV003663858.2).

ClinVar aggregate classification (germline): Pathogenic (1 of 4 stars; one submission).

Conditions:
Combined immunodeficiency due to DOCK8 deficiency (HIES2). Also called: HIES autosomal recessive; HYPER-IgE SYNDROME 2, AUTOSOMAL RECESSIVE, WITH RECURRENT INFECTIONS; DOCK8 Deficiency; Hyper-IgE recurrent infection syndrome, autosomal recessive; HYPER-IgE RECURRENT INFECTION SYNDROME 2, AUTOSOMAL RECESSIVE. Identifiers: Orphanet 217390, MedGen C4722305, MONDO:0009478, OMIM 243700.

Submission:

Labcorp Genetics (formerly Invitae), Labcorp
Classification: Pathogenic for Combined immunodeficiency due to DOCK8 deficiency. Last evaluated: 2024-08-29. Review status: criteria provided, single submitter. Criteria: Invitae Variant Classification Sherloc (09022015). Collection method: clinical testing. Allele origin: germline.
Comment: This sequence change creates a premature translational stop signal (p.Leu1856*) in the DOCK8 gene. It is expected to result in an absent or disrupted protein product. Loss-of-function variants in DOCK8 are known to be pathogenic (PMID: 14722525, 19776401). This variant is not present in population databases (gnomAD no frequency). This variant has not been reported in the literature in individuals affected with DOCK8-related conditions. Algorithms developed to predict the effect of sequence changes on RNA splicing suggest that this variant may disrupt the consensus splice site. For these reasons, this variant has been classified as Pathogenic.

Literature cited by the submitters: PubMed 14722525; PubMed 19776401.